The following is an entry in ClinVar:

NM_003579.4(RAD54L):c.776T>A (p.Met259Lys)

Gene: RAD54L (RAD54 like; plus strand). Cytogenetic location: 1p34.1.
Variant type: single nucleotide variant.
Coding change: c.776T>A on transcript NM_003579.4 (MANE Select); coding-DNA position 776, T replaced by A.
Protein change: p.Met259Lys; replaces methionine 259 with lysine.
Molecular consequence: missense variant.
Genome position (GRCh38, 1-based): chr1:46,261,270, T>A. VCF-style: chr1-46261270-T-A. GRCh37 (hg19) VCF-style: chr1-46726942-T-A.
Other names: c.776T>A, p.Met259Lys (NM_001142548.2); c.236T>A, p.Met79Lys (NM_001370766.1); short protein forms M259K, M79K.
Identifiers: ClinVar variation 3223462 (VCV003223462.1), dbSNP rs1012002768, ClinGen allele CA340188480.

ClinVar aggregate classification (germline): Uncertain significance (1 of 4 stars; one submission).

Submission:

Ambry Genetics
Classification: Uncertain significance. Last evaluated: 2023-11-11. Review status: criteria provided, single submitter. Criteria: Ambry Variant Classification Scheme 2023. Collection method: clinical testing. Allele origin: germline.
Comment: The p.M259K variant (also known as c.776T>A), located in coding exon 8 of the RAD54L gene, results from a T to A substitution at nucleotide position 776. The methionine at codon 259 is replaced by lysine, an amino acid with similar properties. This amino acid position is conserved. In addition, this alteration is predicted to be deleterious by in silico analysis. Since supporting evidence is limited at this time, the clinical significance of this alteration remains unclear.